The following is an entry in ClinVar:

ClinVar aggregate classification (germline): Benign. Review status: criteria provided, multiple submitters, no conflicts (2 of 4 stars). 4 submissions from 4 submitters: Benign (4). Last evaluated 2026-02-02.

Conditions:
Age related macular degeneration 1 (ARMD1). Also called: MACULOPATHY, AGE-RELATED, 1. Identifiers: MedGen C1864205, MONDO:0011285, OMIM 603075.

Allele frequency attached by ClinVar (database versions not stated): gnomAD 0.15869 and 0.16805; TOPMed 0.17612; gnomAD exomes 0.05445 and 0.03279; ESP Exome Variant Server 0.17676; 1000 Genomes Project 0.18431; 1000 Genomes Project 30x 0.19519; ExAC 0.06380.
gnomAD v4.1: 73,057 of 1,613,722 alleles (4.5%); highest among the groups gnomAD compares: African/African-American, 51%; 10,562 homozygotes.

Submissions (4):

Labcorp Genetics (formerly Invitae), Labcorp
Classification: Benign. Last evaluated: 2026-02-02. Review status: criteria provided, single submitter. Criteria: Invitae Variant Classification Sherloc (09022015). Collection method: clinical testing. Allele origin: germline.

Genome-Nilou Lab
Classification: Benign for Age related macular degeneration 1. Last evaluated: 2023-04-11. Review status: criteria provided, single submitter. Criteria: ACMG Guidelines, 2015. Collection method: clinical testing. Allele origin: germline. Affected: no.

Illumina Laboratory Services, Illumina
Classification: Benign for Age related macular degeneration 1. Last evaluated: 2018-01-12. Review status: criteria provided, single submitter. Criteria: ICSL Variant Classification Criteria 13 December 2019. Collection method: clinical testing. Allele origin: germline.
Comment: This variant was observed in the ICSL laboratory as part of a predisposition screen in an ostensibly healthy population. It had not been previously curated by ICSL or reported in the Human Gene Mutation Database (HGMD: prior to June 1st, 2018), and was therefore a candidate for classification through an automated scoring system. Utilizing variant allele frequency, disease prevalence and penetrance estimates, and inheritance mode, an automated score was calculated to assess if this variant is too frequent to cause the disease. Based on the score and internal cut-off values, a variant classified as benign is not then subjected to further curation. The score for this variant resulted in a classification of benign for this disease.

Breakthrough Genomics
Classification: Benign. Review status: criteria provided, single submitter. Criteria: ACMG Guidelines, 2015. Collection method: not provided. Allele origin: germline. Inheritance: Autosomal dominant inheritance. Affected: yes.

NM_031935.3(HMCN1):c.3166A>G (p.Thr1056Ala)

Gene: HMCN1 (hemicentin 1; plus strand). Cytogenetic location: 1q31.1.
Variant type: single nucleotide variant.
Coding change: c.3166A>G on transcript NM_031935.3 (MANE Select); coding-DNA position 3166, A replaced by G.
Protein change: p.Thr1056Ala; replaces threonine 1056 with alanine.
Molecular consequence: missense variant.
Genome position (GRCh38, 1-based): chr1:185,989,605, A>G. VCF-style: chr1-185989605-A-G. GRCh37 (hg19) VCF-style: chr1-185958737-A-G.
Other names: short protein forms T1056A.
Identifiers: ClinVar variation 294128 (VCV000294128.14), dbSNP rs7539719, ClinGen allele CA1291632.
Genomic context (GRCh38, chr1:185,989,605, plus strand): 5'-CTGTATGTGGTATCACCTGGAGGAGAGGAGAGTGGGGAGTATGTCTGCACTGCCACCAAT[A>G]CAGCCGGCTACGCCAAAAGGAAAGTGCAGCTAACAGTCTATGGTGAGAGCTGGTGGAGGA-3'
Protein context (NP_114141.2, residues 1046-1066): SGEYVCTATN[Thr1056Ala]AGYAKRKVQL